The following is an entry in ClinVar:

ClinVar aggregate classification (germline): Uncertain significance (1 of 4 stars; one submission).

Conditions:
Hereditary cancer-predisposing syndrome. Also called: Neoplastic Syndromes, Hereditary; Tumor predisposition; Hereditary Cancer Syndrome; Hereditary neoplastic syndrome. Identifiers: Orphanet 140162, MedGen C0027672, MeSH D009386, MONDO:0015356.

Submission:

Ambry Genetics
Classification: Uncertain significance for Hereditary cancer-predisposing syndrome. Last evaluated: 2024-05-30. Review status: criteria provided, single submitter. Criteria: Ambry Variant Classification Scheme 2023. Collection method: clinical testing. Allele origin: germline.
Comment: The p.Y1316D variant (also known as c.3946T>G), located in coding exon 23 of the PTCH1 gene, results from a T to G substitution at nucleotide position 3946. The tyrosine at codon 1316 is replaced by aspartic acid, an amino acid with highly dissimilar properties. This amino acid position is conserved. In addition, the in silico prediction for this alteration is inconclusive. Since supporting evidence is limited at this time, the clinical significance of this alteration remains unclear.

NM_000264.5(PTCH1):c.3946T>G (p.Tyr1316Asp)

Gene: PTCH1 (patched 1; minus strand). Cytogenetic location: 9q22.32.
Variant type: single nucleotide variant.
Coding change: c.3946T>G on transcript NM_000264.5 (MANE Select); coding-DNA position 3946, T replaced by G.
Protein change: p.Tyr1316Asp; replaces tyrosine 1316 with aspartic acid.
Molecular consequence: missense variant. On other transcripts: non-coding transcript variant (1).
Genome position (GRCh38, 1-based): chr9:95,447,310, A>C on the plus strand (T>G on the coding strand, the complement: PTCH1 is on the minus strand). VCF-style: chr9-95447310-A-C. GRCh37 (hg19) VCF-style: chr9-98209592-A-C.
Other names: c.3748T>G, p.Tyr1250Asp (NM_001083602.3); c.3943T>G, p.Tyr1315Asp (NM_001083603.3); c.3493T>G, p.Tyr1165Asp (NM_001083604.3, NM_001083605.3, NM_001083606.3 and 1 more transcripts); c.3790T>G, p.Tyr1264Asp (NM_001354918.2); short protein forms Y1264D, Y1165D, Y1315D, Y1250D, Y1316D.
Identifiers: ClinVar variation 1736388 (VCV001736388.3), dbSNP rs2136581067, ClinGen allele CA374110615.